The following is an entry in ClinVar:

NM_016151.4(TAOK2):c.3092G>T (p.Gly1031Val)

Gene: TAOK2 (TAO kinase 2; plus strand). Cytogenetic location: 16p11.2.
Variant type: single nucleotide variant.
Coding change: c.3092G>T on transcript NM_016151.4 (MANE Select); coding-DNA position 3092, G replaced by T.
Protein change: p.Gly1031Val; replaces glycine 1031 with valine.
Molecular consequence: missense variant. On other transcripts: intron variant (1).
Genome position (GRCh38, 1-based): chr16:29,987,364, G>T. VCF-style: chr16-29987364-G-T. GRCh37 (hg19) VCF-style: chr16-29998685-G-T.
Other names: c.2753G>T, p.Gly918Val (NM_001252043.2); c.2232+860G>T (NM_004783.4); short protein forms G1031V, G918V.
Identifiers: ClinVar variation 2719993 (VCV002719993.3), dbSNP rs2543669924, ClinGen allele CA395498243.

ClinVar aggregate classification (germline): Uncertain significance (1 of 4 stars; one submission).

Submission:

Labcorp Genetics (formerly Invitae), Labcorp
Classification: Uncertain significance. Last evaluated: 2024-01-16. Review status: criteria provided, single submitter. Criteria: Invitae Variant Classification Sherloc (09022015). Collection method: clinical testing. Allele origin: germline.
Comment: This sequence change replaces glycine, which is neutral and non-polar, with valine, which is neutral and non-polar, at codon 1031 of the TAOK2 protein (p.Gly1031Val). This variant is not present in population databases (gnomAD no frequency). This variant has not been reported in the literature in individuals affected with TAOK2-related conditions. An algorithm developed to predict the effect of missense changes on protein structure and function (PolyPhen-2) suggests that this variant is likely to be tolerated. In summary, the available evidence is currently insufficient to determine the role of this variant in disease. Therefore, it has been classified as a Variant of Uncertain Significance.